The following is an entry in ClinVar:

NM_000038.6(APC):c.532-13T>C

Gene: APC (APC regulator of Wnt signaling pathway; plus strand). Cytogenetic location: 5q22.2.
Variant type: single nucleotide variant.
Coding change: c.532-13T>C on transcript NM_000038.6 (MANE Select); 13 bases into the intron before coding-DNA position 532, T replaced by C.
Molecular consequence: intron variant.
Genome position (GRCh38, 1-based): chr5:112,780,777, T>C. VCF-style: chr5-112780777-T-C. GRCh37 (hg19) VCF-style: chr5-112116474-T-C.
Other names: c.532-13T>C (NM_001354895.2, NM_001127510.3, NM_001354896.2 and 2 more transcripts); c.562-13T>C (NM_001354897.2, NM_001354902.2, NM_001127511.3); c.457-13T>C (NM_001354898.2, NM_001354904.2); c.-504-13T>C (NM_001354906.2); c.355-13T>C (NM_001354900.2, NM_001354901.2, NM_001354905.2).
Identifiers: ClinVar variation 2146558 (VCV002146558.5), dbSNP rs1340064302, ClinGen allele CA561895106.

ClinVar aggregate classification (germline): Likely benign. Review status: criteria provided, multiple submitters, no conflicts (2 of 4 stars). 2 submissions from 2 submitters: Likely benign (2). Last evaluated 2025-10-27.

Conditions:
Familial adenomatous polyposis 1 (FAP1). Also called: FAMILIAL ADENOMATOUS POLYPOSIS 1, ATTENUATED; POLYPOSIS, ADENOMATOUS INTESTINAL. Identifiers: MedGen C2713442, MONDO:0021056, OMIM 175100. Disease mechanism: loss of function.

Allele frequency attached by ClinVar (database versions not stated): gnomAD exomes below 0.00001.
gnomAD v4.1: 1 of 1,554,036 alleles (0.000064%); highest among the groups gnomAD compares: Admixed American, 0.0017%; no homozygotes.

Submissions (2):

Labcorp Genetics (formerly Invitae), Labcorp
Classification: Likely benign for Familial adenomatous polyposis 1. Last evaluated: 2025-10-27. Review status: criteria provided, single submitter. Criteria: Invitae Variant Classification Sherloc (09022015). Collection method: clinical testing. Allele origin: germline.

Myriad Genetics, Inc.
Classification: Likely benign for Familial adenomatous polyposis 1. Last evaluated: 2024-02-23. Review status: criteria provided, single submitter. Criteria: Myriad Autosomal Dominant, Autosomal Recessive and X-Linked Classification Criteria (2023). Collection method: clinical testing. Allele origin: unknown.
Comment: This variant is considered likely benign. This variant is intronic and is not expected to impact mRNA splicing.